The following is an entry in ClinVar:

ClinVar aggregate classification (germline): Uncertain significance (1 of 4 stars; one submission).

Conditions:
Nephrolithiasis/nephrocalcinosis. Identifiers: MedGen CN580796.

Submission:

Ambry Genetics
Classification: Uncertain significance for Nephrolithiasis/nephrocalcinosis. Last evaluated: 2022-08-01. Review status: criteria provided, single submitter. Criteria: Ambry Variant Classification Scheme 2023. Collection method: clinical testing. Allele origin: germline.
Comment: The p.L1014P variant (also known as c.3041T>C), located in coding exon 6 of the CASR gene, results from a T to C substitution at nucleotide position 3041. The leucine at codon 1014 is replaced by proline, an amino acid with similar properties. This amino acid position is conserved. In addition, the in silico prediction for this alteration is inconclusive. Since supporting evidence is limited at this time, the clinical significance of this alteration remains unclear.

NM_000388.4(CASR):c.3041T>C (p.Leu1014Pro)

Gene: CASR (calcium sensing receptor; plus strand). Cytogenetic location: 3q21.1.
Variant type: single nucleotide variant.
Coding change: c.3041T>C on transcript NM_000388.4 (MANE Select); coding-DNA position 3041, T replaced by C.
Protein change: p.Leu1014Pro; replaces leucine 1014 with proline.
Molecular consequence: missense variant.
Genome position (GRCh38, 1-based): chr3:122,284,995, T>C. VCF-style: chr3-122284995-T-C. GRCh37 (hg19) VCF-style: chr3-122003842-T-C.
Other names: c.3071T>C, p.Leu1024Pro (NM_001178065.2); short protein forms L1014P, L1024P.
Identifiers: ClinVar variation 1799168 (VCV001799168.2), dbSNP rs2473283448, ClinGen allele CA354161316.
Genomic context (GRCh38, chr3:122,284,995, plus strand): 5'-ACCAGAACTCCCTGGAGGCCCAGAAAAGCAGCGATACGCTGACCCGACACGAGCCATTAC[T>C]CCCGCTGCAGTGCGGGGAAACGGACTTAGATCTGACCGTCCAGGAAACAGGTCTGCAAGG-3'
Protein context (NP_000379.3, residues 1004-1024): SDTLTRHEPL[Leu1014Pro]PLQCGETDLD